The following is an entry in ClinVar:

NM_000388.4(CASR):c.2467C>A (p.Pro823Thr)

Gene: CASR (calcium sensing receptor; plus strand). Cytogenetic location: 3q21.1.
Variant type: single nucleotide variant.
Coding change: c.2467C>A on transcript NM_000388.4 (MANE Select); coding-DNA position 2467, C replaced by A.
Protein change: p.Pro823Thr; replaces proline 823 with threonine.
Molecular consequence: missense variant.
Genome position (GRCh38, 1-based): chr3:122,284,421, C>A. VCF-style: chr3-122284421-C-A. GRCh37 (hg19) VCF-style: chr3-122003268-C-A.
Other names: c.2497C>A, p.Pro833Thr (NM_001178065.2); short protein forms P823T, P833T.
Identifiers: ClinVar variation 3760435 (VCV003760435.2).

ClinVar aggregate classification (germline): Uncertain significance (1 of 4 stars; one submission).

Conditions:
Autosomal dominant hypocalcemia 1 (HYPOC1). Also called: HYPOCALCEMIA, FAMILIAL. Identifiers: MedGen C3715128, MONDO:0011013, OMIM 601198.
Familial hypocalciuric hypercalcemia (FHH). Also called: Familial benign hypercalcemia. Identifiers: Orphanet 405, MedGen C1809471, MONDO:0018458.

Submission:

Labcorp Genetics (formerly Invitae), Labcorp
Classification: Uncertain significance for Familial hypocalciuric hypercalcemia; Autosomal dominant hypocalcemia 1. Last evaluated: 2025-01-26. Review status: criteria provided, single submitter. Criteria: Invitae Variant Classification Sherloc (09022015). Collection method: clinical testing. Allele origin: germline.
Comment: This sequence change replaces proline, which is neutral and non-polar, with threonine, which is neutral and polar, at codon 823 of the CASR protein (p.Pro823Thr). This variant is not present in population databases (gnomAD no frequency). This variant has not been reported in the literature in individuals affected with CASR-related conditions. An algorithm developed to predict the effect of missense changes on protein structure and function (PolyPhen-2) suggests that this variant is likely to be disruptive. In summary, the available evidence is currently insufficient to determine the role of this variant in disease. Therefore, it has been classified as a Variant of Uncertain Significance.